The following is an entry in ClinVar:

NM_001386393.1(PANK2):c.37C>T (p.Arg13Trp)

Genes: PANK2 (pantothenate kinase 2; plus strand), LOC130065345 (ATAC-STARR-seq lymphoblastoid silent region 12635; plus strand). Cytogenetic location: 20p13.
Variant type: single nucleotide variant.
Coding change: c.37C>T on transcript NM_001386393.1 (MANE Select); coding-DNA position 37, C replaced by T.
Protein change: p.Arg13Trp; replaces arginine 13 with tryptophan.
Molecular consequence: missense variant. On other transcripts: non-coding transcript variant (1), 5 prime UTR variant (1), intron variant (1).
Genome position (GRCh38, 1-based): chr20:3,889,467, C>T. VCF-style: chr20-3889467-C-T. GRCh37 (hg19) VCF-style: chr20-3870114-C-T.
Other names: c.367C>T, p.Arg123Trp (NM_153638.4, NM_001324192.1); c.-675C>T (NM_001324191.2); c.-246+563C>T (NM_024960.6); c.367C>T (NM_153638.2); short protein forms R13W, R123W.
Identifiers: ClinVar variation 1500234 (VCV001500234.4), dbSNP rs752138761, ClinGen allele CA311088812.

ClinVar aggregate classification (germline): Uncertain significance. Review status: criteria provided, multiple submitters, no conflicts (2 of 4 stars). 2 submissions from 2 submitters: Uncertain significance (2). Last evaluated 2024-08-26.

Conditions:
Inborn genetic diseases. Identifiers: MedGen C0950123, MeSH D030342.
Pigmentary pallidal degeneration (NBIA1). Also called: PKAN NEUROAXONAL DYSTROPHY, JUVENILE-ONSET; HARP SYNDROME; Pantothenate Kinase-Associated Neurodegeneration; Neuroaxonal dystrophy, late infantile; Hallervorden-Spatz disease; Neurodegeneration with brain iron accumulation 1. Identifiers: Orphanet 157850, MedGen C0018523, MONDO:0009319, OMIM 234200.

Allele frequency attached by ClinVar (database versions not stated): gnomAD 0.00001; gnomAD exomes 0.00001; TOPMed 0.00001.
gnomAD v4.1: 9 of 1,535,628 alleles (0.00059%); highest among the groups gnomAD compares: Admixed American, 0.002%; no homozygotes.

Submissions (2):

Ambry Genetics
Classification: Uncertain significance for Inborn genetic diseases. Last evaluated: 2024-08-26. Review status: criteria provided, single submitter. Criteria: Ambry Variant Classification Scheme 2023. Collection method: clinical testing. Allele origin: germline.

Labcorp Genetics (formerly Invitae), Labcorp
Classification: Uncertain significance for Pigmentary pallidal degeneration. Last evaluated: 2021-11-28. Review status: criteria provided, single submitter. Criteria: Invitae Variant Classification Sherloc (09022015). Collection method: clinical testing. Allele origin: germline.
Comment: This sequence change replaces arginine, which is basic and polar, with tryptophan, which is neutral and slightly polar, at codon 123 of the PANK2 protein (p.Arg123Trp). The frequency data for this variant in the population databases is considered unreliable, as metrics indicate poor data quality at this position in the gnomAD database. This variant has not been reported in the literature in individuals affected with PANK2-related conditions. Algorithms developed to predict the effect of missense changes on protein structure and function are either unavailable or do not agree on the potential impact of this missense change (SIFT: "Deleterious"; PolyPhen-2: "Benign"; Align-GVGD: "Class C0"). In summary, the available evidence is currently insufficient to determine the role of this variant in disease. Therefore, it has been classified as a Variant of Uncertain Significance.